The following is an entry in ClinVar:

NM_001195263.2(PDZD7):c.2077G>A (p.Glu693Lys)

Gene: PDZD7 (PDZ domain containing 7; minus strand). Cytogenetic location: 10q24.31.
Variant type: single nucleotide variant.
Coding change: c.2077G>A on transcript NM_001195263.2 (MANE Select); coding-DNA position 2077, G replaced by A.
Protein change: p.Glu693Lys; replaces glutamic acid 693 with lysine.
Molecular consequence: missense variant.
Genome position (GRCh38, 1-based): chr10:101,010,812, C>T on the plus strand (G>A on the coding strand, the complement: PDZD7 is on the minus strand). VCF-style: chr10-101010812-C-T. GRCh37 (hg19) VCF-style: chr10-102770569-C-T.
Other names: short protein forms E693K.
Identifiers: ClinVar variation 1026601 (VCV001026601.7), dbSNP rs534497706, ClinGen allele CA378225308.

ClinVar aggregate classification (germline): Uncertain significance (1 of 4 stars; one submission).

Allele frequency attached by ClinVar (database versions not stated): gnomAD 0.00001; TOPMed 0.00004.

Submission:

Labcorp Genetics (formerly Invitae), Labcorp
Classification: Uncertain significance. Last evaluated: 2020-08-08. Review status: criteria provided, single submitter. Criteria: Invitae Variant Classification Sherloc (09022015). Collection method: clinical testing. Allele origin: germline.
Comment: In summary, the available evidence is currently insufficient to determine the role of this variant in disease. Therefore, it has been classified as a Variant of Uncertain Significance. Algorithms developed to predict the effect of missense changes on protein structure and function are either unavailable or do not agree on the potential impact of this missense change (SIFT: "Deleterious"; PolyPhen-2: "Not Available"; Align-GVGD: "Class C0"). This variant has not been reported in the literature in individuals with PDZD7-related conditions. The frequency data for this variant in the population databases is considered unreliable, as metrics indicate insufficient coverage at this position in the ExAC database. This sequence change replaces glutamic acid with lysine at codon 693 of the PDZD7 protein (p.Glu693Lys). The glutamic acid residue is weakly conserved and there is a small physicochemical difference between glutamic acid and lysine.